The following is an entry in ClinVar:

ClinVar aggregate classification (germline): Uncertain significance. Review status: criteria provided, multiple submitters, no conflicts (2 of 4 stars). 2 submissions from 2 submitters: Uncertain significance (2). Last evaluated 2017-12-07.

Conditions:
X-linked Alport syndrome (ATS1). Also called: COL4A5-Related Nephropathy; NEPHROPATHY AND DEAFNESS, X-LINKED. Identifiers: Orphanet 63, Orphanet 88917, MedGen C4746986, MONDO:0010520, OMIM 301050.

Submissions (2):

Athena Diagnostics
Classification: Uncertain significance. Last evaluated: 2017-12-07. Review status: criteria provided, single submitter. Criteria: Athena Diagnostics Criteria. Collection method: clinical testing. Allele origin: germline.

Juno Genomics, Hangzhou Juno Genomics, Inc
Classification: Uncertain significance for X-linked Alport syndrome. Review status: criteria provided, single submitter. Criteria: ACMG Guidelines, 2015. Collection method: clinical testing. Allele origin: germline. Affected: yes.
Comment: Absent from controls (or at extremely low frequency if recessive) in Genome Aggregation Database, Exome Sequencing Project, 1000 Genomes Project, or Exome Aggregation Consortium.;The prevalence of the variant in affected individuals is significantly increased compared to the prevalence in controls.;Patient's phenotype or family history is highly specific for a disease with a single genetic etiology.

NM_033380.3(COL4A5):c.81G>A (p.Ala27=)

Gene: COL4A5 (collagen type IV alpha 5 chain; plus strand). Cytogenetic location: Xq22.3.
Variant type: single nucleotide variant.
Coding change: c.81G>A on transcript NM_033380.3 (MANE Select); coding-DNA position 81, G replaced by A.
Protein change: p.Ala27=; no amino-acid change (alanine 27 retained).
Molecular consequence: synonymous variant.
Genome position (GRCh38, 1-based): chrX:108,440,206, G>A. VCF-style: chrX-108440206-G-A. GRCh37 (hg19) VCF-style: chrX-107683436-G-A.
Other names: c.81G>A, p.Ala27= (NM_000495.5).
Identifiers: ClinVar variation 585548 (VCV000585548.3), dbSNP rs1569469478, ClinGen allele CA517989596.